The following is an entry in ClinVar:

NM_183357.3(ADCY5):c.3163C>T (p.Arg1055Cys)

Gene: ADCY5 (adenylate cyclase 5; minus strand). Cytogenetic location: 3q21.1.
Variant type: single nucleotide variant.
Coding change: c.3163C>T on transcript NM_183357.3 (MANE Select); coding-DNA position 3163, C replaced by T.
Protein change: p.Arg1055Cys; replaces arginine 1055 with cysteine.
Molecular consequence: missense variant.
Genome position (GRCh38, 1-based): chr3:123,291,277, G>A on the plus strand (C>T on the coding strand, the complement: ADCY5 is on the minus strand). VCF-style: chr3-123291277-G-A. GRCh37 (hg19) VCF-style: chr3-123010124-G-A.
Other names: c.2113C>T, p.Arg705Cys (NM_001199642.1); c.3238C>T, p.Arg1080Cys (NM_001378259.1); short protein forms R1055C, R1080C, R705C.
Identifiers: ClinVar variation 1695837 (VCV001695837.7), dbSNP rs377330980, ClinGen allele CA2576839.

ClinVar aggregate classification (germline): Uncertain significance. Review status: criteria provided, multiple submitters, no conflicts (2 of 4 stars). 2 submissions from 2 submitters: Uncertain significance (2). Last evaluated 2022-08-30.

Allele frequency attached by ClinVar (database versions not stated): gnomAD 0.00001; TOPMed 0.00002; ESP Exome Variant Server 0.00008.
gnomAD v4.1: 20 of 1,613,850 alleles (0.0012%); highest among the groups gnomAD compares: East Asian, 0.027%; no homozygotes.

Submissions (2):

Labcorp Genetics (formerly Invitae), Labcorp
Classification: Uncertain significance. Last evaluated: 2022-08-30. Review status: criteria provided, single submitter. Criteria: Invitae Variant Classification Sherloc (09022015). Collection method: clinical testing. Allele origin: germline.
Comment: In summary, the available evidence is currently insufficient to determine the role of this variant in disease. Therefore, it has been classified as a Variant of Uncertain Significance. Advanced modeling of protein sequence and biophysical properties (such as structural, functional, and spatial information, amino acid conservation, physicochemical variation, residue mobility, and thermodynamic stability) performed at Invitae indicates that this missense variant is expected to disrupt ADCY5 protein function. ClinVar contains an entry for this variant (Variation ID: 1695837). This variant has not been reported in the literature in individuals affected with ADCY5-related conditions. This variant is present in population databases (rs377330980, gnomAD 0.01%). This sequence change replaces arginine, which is basic and polar, with cysteine, which is neutral and slightly polar, at codon 1055 of the ADCY5 protein (p.Arg1055Cys).

GeneDx
Classification: Uncertain significance. Last evaluated: 2022-01-05. Review status: criteria provided, single submitter. Criteria: GeneDx Variant Classification Process June 2021. Collection method: clinical testing. Allele origin: germline. Affected: yes.
Comment: In silico analysis supports that this missense variant has a deleterious effect on protein structure/function; Has not been previously published as pathogenic or benign to our knowledge